The following is an entry in ClinVar:

NM_002972.4(SBF1):c.5583C>T (p.Asp1861=)

Gene: SBF1 (SET binding factor 1; minus strand). Cytogenetic location: 22q13.33.
Variant type: single nucleotide variant.
Coding change: c.5583C>T on transcript NM_002972.4 (MANE Select); coding-DNA position 5583, C replaced by T.
Protein change: p.Asp1861=; no amino-acid change (aspartic acid 1861 retained).
Molecular consequence: synonymous variant.
Genome position (GRCh38, 1-based): chr22:50,447,322, G>A on the plus strand (C>T on the coding strand, the complement: SBF1 is on the minus strand). VCF-style: chr22-50447322-G-A. GRCh37 (hg19) VCF-style: chr22-50885751-G-A.
Other names: c.5508C>T, p.Asp1836= (NM_001365819.1); c.5586C>T, p.Asp1862= (NM_001410794.1); c.5505C>T, p.Asp1835= (NM_001410795.1).
Identifiers: ClinVar variation 4821060 (VCV004821060.4).
Genomic context (GRCh38, chr22:50,447,322, plus strand): 5'-ACTCCGCAGCCCCCACACCGCAGAGCCCCTCCCCTCTCCCAAGCCCCGGCCAAGGCTCAC[G>A]TCAAAGAAGGCCTTCTCGTCCACAGTCTTAGGGGCACCCATAGTGGGCGTGCCAGGTGCC-3'
Protein context (NP_002963.2, residues 1851-1871): PKTVDEKAFF[Asp1861=]VKTTRRVYNF

ClinVar aggregate classification (germline): Likely benign (1 of 4 stars; one submission).

gnomAD v4.1: 64 of 1,613,992 alleles (0.004%); highest among the groups gnomAD compares: South Asian, 0.029%; no homozygotes.

Submission:

CeGaT Center for Human Genetics Tuebingen
Classification: Likely benign. Last evaluated: 2026-03-01. Review status: criteria provided, single submitter. Criteria: CeGaT Center For Human Genetics Tuebingen Variant Classification Criteria Version 2. Collection method: clinical testing. Allele origin: germline. Affected: yes. Observed: 1 variant allele.
Comment: SBF1: BP4, BP7